The following is an entry in ClinVar:

ClinVar aggregate classification (germline): Uncertain significance (1 of 4 stars; one submission).

Conditions:
Cardiovascular phenotype. Identifiers: MedGen CN230736.

Submission:

Ambry Genetics
Classification: Uncertain significance for Cardiovascular phenotype. Last evaluated: 2025-05-24. Review status: criteria provided, single submitter. Criteria: Ambry Variant Classification Scheme 2023. Collection method: clinical testing. Allele origin: germline.
Comment: The p.R3063G variant (also known as c.9187A>G), located in coding exon 26 of the APOB gene, results from an A to G substitution at nucleotide position 9187. The arginine at codon 3063 is replaced by glycine, an amino acid with dissimilar properties. This amino acid position is conserved. In addition, this alteration is predicted to be tolerated by in silico analysis. Based on the available evidence, the clinical significance of this variant remains unclear.

NM_000384.3(APOB):c.9187A>G (p.Arg3063Gly)

Gene: APOB (apolipoprotein B; minus strand). Cytogenetic location: 2p24.1.
Variant type: single nucleotide variant.
Coding change: c.9187A>G on transcript NM_000384.3 (MANE Select); coding-DNA position 9187, A replaced by G.
Protein change: p.Arg3063Gly; replaces arginine 3063 with glycine.
Molecular consequence: missense variant.
Genome position (GRCh38, 1-based): chr2:21,007,681, T>C on the plus strand (A>G on the coding strand, the complement: APOB is on the minus strand). VCF-style: chr2-21007681-T-C. GRCh37 (hg19) VCF-style: chr2-21230553-T-C.
Other names: short protein forms R3063G.
Identifiers: ClinVar variation 3933192 (VCV003933192.1).